The following is an entry in ClinVar:

NM_001267550.2(TTN):c.107017G>A (p.Gly35673Arg)

Genes: TTN-AS1 (TTN antisense RNA 1; plus strand), TTN (titin; minus strand). Cytogenetic location: 2q31.2.
Variant type: single nucleotide variant.
Coding change: c.107017G>A on transcript NM_001267550.2 (MANE Select); coding-DNA position 107017, G replaced by A.
Protein change: p.Gly35673Arg; replaces glycine 35673 with arginine.
Molecular consequence: missense variant.
Genome position (GRCh38, 1-based): chr2:178,528,734, C>T on the plus strand (G>A on the coding strand, the complement: TTN is on the minus strand). VCF-style: chr2-178528734-C-T. GRCh37 (hg19) VCF-style: chr2-179393461-C-T.
Other names: c.102094G>A, p.Gly34032Arg (NM_001256850.1); c.79822G>A, p.Gly26608Arg (NM_003319.4); c.99313G>A, p.Gly33105Arg (NM_133378.4); c.80197G>A, p.Gly26733Arg (NM_133432.3); c.80398G>A, p.Gly26800Arg (NM_133437.4); short protein forms G33105R, G35673R, G26733R, G34032R, G26608R, G26800R.
Identifiers: ClinVar variation 191807 (VCV000191807.1), dbSNP rs786205290, ClinGen allele CA237599.
Genomic context (GRCh38, chr2:178,528,734, plus strand): 5'-TCAAATCATACTGACACTTGACGATTCCTTCCTTGGTTTTGCTTATGCAGGTGAGGATTC[C>T]TTCATCTCTGTGACTGGCTTGCTTGATGGTTAGGGTCTGATCGCTGCCTGAGACACCATA-3'
Protein context (NP_001254479.2, residues 35663-35683): TIKQASHRDE[Gly35673Arg]ILTCISKTKE

ClinVar aggregate classification (germline): Uncertain significance (1 of 4 stars; one submission).

Allele frequency attached by ClinVar (database versions not stated): gnomAD exomes below 0.00001.
gnomAD v4.1: 1 of 1,613,242 alleles (0.000062%); highest among the groups gnomAD compares: Non-Finnish European, 0.000085%; no homozygotes.

Submission:

Biesecker Lab/Clinical Genomics Section, National Institutes of Health
Classification: Uncertain significance. Last evaluated: 2013-06-24. Review status: criteria provided, single submitter. Criteria: Ng et al. (Circ Cardiovasc Genet. 2013). Collection method: research. Allele origin: unknown. Observed: 1 variant allele. Study: ClinSeq.
Comment: The study set was not selected for affection status in relation to any cancer. Pathogenicity categories were based on literature curation. See Pubmed ID:23861362 for details.

Medical sequencing